The following is an entry in ClinVar:

NM_001329943.3(KIAA0586):c.974A>T (p.Glu325Val)

Gene: KIAA0586 (KIAA0586; plus strand). Cytogenetic location: 14q23.1.
Variant type: single nucleotide variant.
Coding change: c.974A>T on transcript NM_001329943.3 (MANE Select); coding-DNA position 974, A replaced by T.
Protein change: p.Glu325Val; replaces glutamic acid 325 with valine.
Molecular consequence: missense variant.
Genome position (GRCh38, 1-based): chr14:58,450,591, A>T. VCF-style: chr14-58450591-A-T. GRCh37 (hg19) VCF-style: chr14-58917309-A-T.
Other names: p.Glu378Val; c.974A>T (NM_014749.3); c.1133A>T, p.Glu378Val (NM_001244189.2); c.929A>T, p.Glu310Val (NM_001244190.2); c.719A>T, p.Glu240Val (NM_001244191.2, NM_001329945.2, NM_001364700.1 and 1 more transcripts); c.842A>T, p.Glu281Val (NM_001244192.2); c.554A>T, p.Glu185Val (NM_001244193.2); c.974A>T, p.Glu325Val (NM_001329944.2, NM_001329946.2, NM_001329947.2 and 1 more transcripts); short protein forms E325V, E378V, E281V, E310V, E185V, E240V.
Identifiers: ClinVar variation 542191 (VCV000542191.43), dbSNP rs144456198, ClinGen allele CA7205532.
Genomic context (GRCh38, chr14:58,450,591, plus strand): 5'-AAAGCTTTTTAAAAGCAAGTTAAGTTTTTAAAAAATTTTCTGTTAAAGCACCTTTAAAAG[A>T]AGTTGAAGATACGAGTTTTGATAAACAGAAATCTCCTTTGGAGACACCAGCACCTCGCAG-3'
Protein context (NP_001316872.1, residues 315-335): TFASKQAPLK[Glu325Val]VEDTSFDKQK

ClinVar aggregate classification (germline): Benign/Likely benign. Review status: criteria provided, multiple submitters, no conflicts (2 of 4 stars). 7 submissions from 7 submitters: Benign (1); Likely benign (5). 1 of the submissions does not count toward it. Last evaluated 2026-07-01.

Conditions:
Joubert syndrome 23 (JBTS23). Identifiers: Orphanet 475, MedGen C4084822, MONDO:0014664, OMIM 616490.
Short-rib thoracic dysplasia 14 with polydactyly (SRTD14). Identifiers: Orphanet 397715, MedGen C4225286, MONDO:0014688, OMIM 616546.
KIAA0586-related disorder. Also called: KIAA0586-related condition; KIAA0586- Related disorders.
Inborn genetic diseases. Identifiers: MedGen C0950123, MeSH D030342.

Allele frequency attached by ClinVar (database versions not stated): 1000 Genomes Project 0.00160; 1000 Genomes Project 30x 0.00187; gnomAD 0.00188 and 0.00204; ExAC 0.00218; gnomAD exomes 0.00222 and 0.00276; ESP Exome Variant Server 0.00239; TOPMed 0.00266.
gnomAD v4.1: 4,278 of 1,602,056 alleles (0.27%); highest among the groups gnomAD compares: Admixed American, 0.44%; 13 homozygotes.

Submissions (12):

CeGaT Center for Human Genetics Tuebingen
Classification: Likely benign. Last evaluated: 2026-07-01. Review status: criteria provided, single submitter. Criteria: CeGaT Center For Human Genetics Tuebingen Variant Classification Criteria Version 2. Collection method: clinical testing. Allele origin: germline. Affected: yes. Observed: 10 variant alleles.
Comment: KIAA0586: BP4, BS2

Labcorp Genetics (formerly Invitae), Labcorp
Classification: Benign for Joubert syndrome 23; Short-rib thoracic dysplasia 14 with polydactyly. Last evaluated: 2026-01-29. Review status: criteria provided, single submitter. Criteria: Invitae Variant Classification Sherloc (09022015). Collection method: clinical testing. Allele origin: germline.

Mayo Clinic Laboratories, Mayo Clinic
Classification: Likely benign. Last evaluated: 2025-04-26. Review status: criteria provided, single submitter. Criteria: ACMG Guidelines, 2015. Collection method: clinical testing. Allele origin: germline. Observed: 3 variant alleles.
Comment: BS2, BP4

Ambry Genetics
Classification: Likely benign for Inborn genetic diseases. Last evaluated: 2021-09-01. Review status: criteria provided, single submitter. Criteria: Ambry Variant Classification Scheme 2023. Collection method: clinical testing. Allele origin: germline.

GeneDx
Classification: Likely benign. Last evaluated: 2021-01-16. Review status: criteria provided, single submitter. Criteria: GeneDx Variant Classification Process June 2021. Collection method: clinical testing. Allele origin: germline. Affected: yes.

Breakthrough Genomics
Classification: Likely benign. Review status: criteria provided, single submitter. Criteria: ACMG Guidelines, 2015. Collection method: not provided. Allele origin: germline. Inheritance: Autosomal recessive inheritance. Affected: yes.

PreventionGenetics, part of Exact Sciences
Classification: Likely benign for KIAA0586-related condition. Last evaluated: 2020-05-18. Review status: no assertion criteria provided. Collection method: clinical testing. Allele origin: germline. Not counted in ClinVar's aggregate classification.
Comment: This variant is classified as likely benign based on ACMG/AMP sequence variant interpretation guidelines (Richards et al. 2015 PMID: 25741868, with internal and published modifications).

Dr. Peter K. Rogan Lab, Western University
No classification provided (evidence only). Condition: Clear cell carcinoma of kidney. Review status: no classification provided. Collection method: in vitro. Allele origin: not applicable. Functional consequence: retained intron. Not counted in ClinVar's aggregate classification.

Dr. Peter K. Rogan Lab, Western University
No classification provided (evidence only). Condition: Clear cell carcinoma of kidney. Review status: no classification provided. Collection method: in vitro. Allele origin: not applicable. Functional consequence: retained intron. Not counted in ClinVar's aggregate classification.

Dr. Peter K. Rogan Lab, Western University
No classification provided (evidence only). Condition: Cervical cancer. Review status: no classification provided. Collection method: in vitro. Allele origin: not applicable. Functional consequence: retained intron. Not counted in ClinVar's aggregate classification.

Dr. Peter K. Rogan Lab, Western University
No classification provided (evidence only). Condition: Malignant lymphoma, large B-cell, diffuse. Review status: no classification provided. Collection method: in vitro. Allele origin: not applicable. Functional consequence: retained intron. Not counted in ClinVar's aggregate classification.

Dr. Peter K. Rogan Lab, Western University
No classification provided (evidence only). Condition: Gastric cancer. Review status: no classification provided. Collection method: in vitro. Allele origin: not applicable. Functional consequence: retained intron. Not counted in ClinVar's aggregate classification.